The following is an entry in ClinVar:

ClinVar aggregate classification (germline): Uncertain significance (1 of 4 stars; one submission).

Allele frequency attached by ClinVar (database versions not stated): TOPMed below 0.00001; ExAC 0.00001; gnomAD 0.00001; gnomAD exomes 0.00001.
gnomAD v4.1: 10 of 1,607,814 alleles (0.00062%); highest among the groups gnomAD compares: African/African-American, 0.004%; no homozygotes.

Submission:

Labcorp Genetics (formerly Invitae), Labcorp
Classification: Uncertain significance. Last evaluated: 2023-07-17. Review status: criteria provided, single submitter. Criteria: Invitae Variant Classification Sherloc (09022015). Collection method: clinical testing. Allele origin: germline.
Comment: This sequence change replaces alanine, which is neutral and non-polar, with threonine, which is neutral and polar, at codon 17 of the DEF6 protein (p.Ala17Thr). In summary, the available evidence is currently insufficient to determine the role of this variant in disease. Therefore, it has been classified as a Variant of Uncertain Significance. An algorithm developed to predict the effect of missense changes on protein structure and function (PolyPhen-2) suggests that this variant is likely to be disruptive. ClinVar contains an entry for this variant (Variation ID: 2022847). This variant has not been reported in the literature in individuals affected with DEF6-related conditions. The frequency data for this variant in the population databases is considered unreliable, as metrics indicate poor data quality at this position in the gnomAD database.

NM_022047.4(DEF6):c.49G>A (p.Ala17Thr)

Gene: DEF6 (DEF6 guanine nucleotide exchange factor; plus strand). Cytogenetic location: 6p21.31.
Variant type: single nucleotide variant.
Coding change: c.49G>A on transcript NM_022047.4 (MANE Select); coding-DNA position 49, G replaced by A.
Protein change: p.Ala17Thr; replaces alanine 17 with threonine.
Molecular consequence: missense variant.
Genome position (GRCh38, 1-based): chr6:35,297,905, G>A. VCF-style: chr6-35297905-G-A. GRCh37 (hg19) VCF-style: chr6-35265682-G-A.
Other names: short protein forms A17T.
Identifiers: ClinVar variation 2022847 (VCV002022847.4), dbSNP rs758808459, ClinGen allele CA3770622.
Genomic context (GRCh38, chr6:35,297,905, plus strand): 5'-GGCGCCTCAGCCATGGCCCTGCGCAAGGAACTGCTCAAGTCCATCTGGTACGCCTTTACC[G>A]CGCTGGACGTGGAGAAGAGTGGCAAAGTCTCCAAGTCCCAGCTCAAGGTGAGGGGCACCC-3'
Protein context (NP_071330.3, residues 7-27): LLKSIWYAFT[Ala17Thr]LDVEKSGKVS